The following is an entry in ClinVar:

ClinVar aggregate classification (germline): Uncertain significance. Review status: criteria provided, multiple submitters, no conflicts (2 of 4 stars). 2 submissions from 2 submitters: Uncertain significance (2). Last evaluated 2026-07-21.

Conditions:
Primary ciliary dyskinesia 6. Also called: Primary Ciliary Dyskinesia 6: TXNDC3-Related Primary Ciliary Dyskinesia. Identifiers: Orphanet 244, MedGen C1970506, MONDO:0012571, OMIM 610852.
Primary ciliary dyskinesia. Also called: Ciliary dyskinesia. Identifiers: Orphanet 244, MedGen C0008780, MONDO:0016575, HP:0012265.

gnomAD v4.1: 54 of 1,610,874 alleles (0.0034%); highest among the groups gnomAD compares: Non-Finnish European, 0.004%; no homozygotes.

Submissions (2):

Ambry Genetics
Classification: Uncertain significance for Primary ciliary dyskinesia. Last evaluated: 2026-07-21. Review status: criteria provided, single submitter. Criteria: Ambry Variant Classification Scheme 2023. Collection method: clinical testing. Allele origin: germline.
Comment: The p.Y201C variant (also known as c.602A>G), located in coding exon 8 of the NME8 gene, results from an A to G substitution at nucleotide position 602. The tyrosine at codon 201 is replaced by cysteine, an amino acid with highly dissimilar properties. This amino acid position is conserved. In addition, the in silico prediction for this alteration is inconclusive. Based on the available evidence, the clinical significance of this variant remains unclear.

Labcorp Genetics (formerly Invitae), Labcorp
Classification: Uncertain significance for Primary ciliary dyskinesia 6. Last evaluated: 2025-09-03. Review status: criteria provided, single submitter. Criteria: Invitae Variant Classification Sherloc (09022015). Collection method: clinical testing. Allele origin: germline.
Comment: This sequence change replaces tyrosine, which is neutral and polar, with cysteine, which is neutral and slightly polar, at codon 201 of the NME8 protein (p.Tyr201Cys). This variant is present in population databases (rs144970701, gnomAD 0.006%). This variant has not been reported in the literature in individuals affected with NME8-related conditions. ClinVar contains an entry for this variant (Variation ID: 3406343). Invitae Evidence Modeling of protein sequence and biophysical properties (such as structural, functional, and spatial information, amino acid conservation, physicochemical variation, residue mobility, and thermodynamic stability) indicates that this missense variant is expected to disrupt NME8 protein function with a positive predictive value of 80%. In summary, the available evidence is currently insufficient to determine the role of this variant in disease. Therefore, it has been classified as a Variant of Uncertain Significance.

NM_016616.5(NME8):c.602A>G (p.Tyr201Cys)

Gene: NME8 (NME/NM23 family member 8; plus strand). Cytogenetic location: 7p14.1.
Variant type: single nucleotide variant.
Coding change: c.602A>G on transcript NM_016616.5 (MANE Select); coding-DNA position 602, A replaced by G.
Protein change: p.Tyr201Cys; replaces tyrosine 201 with cysteine.
Molecular consequence: missense variant.
Genome position (GRCh38, 1-based): chr7:37,865,598, A>G. VCF-style: chr7-37865598-A-G. GRCh37 (hg19) VCF-style: chr7-37905200-A-G.
Other names: short protein forms Y201C.
Identifiers: ClinVar variation 3406343 (VCV003406343.3).
Genomic context (GRCh38, chr7:37,865,598, plus strand): 5'-GATTTATTATAGAAGCAGAGCATAAGACAGTGCTCACTGAAGAACAAGTTGTCAACTTCT[A>G]TAGTCGAATAGCAGACCAGGTATGAAAGTTAAAAAGAAAAAATCCTCTATGTGTTTAAAT-3'
Protein context (NP_057700.3, residues 191-211): VLTEEQVVNF[Tyr201Cys]SRIADQCDFE